The following is an entry in ClinVar:

ClinVar aggregate classification (germline): Uncertain significance (1 of 4 stars; one submission).

Submission:

GeneDx
Classification: Uncertain significance. Last evaluated: 2022-04-11. Review status: criteria provided, single submitter. Criteria: GeneDx Variant Classification Process June 2021. Collection method: clinical testing. Allele origin: germline. Affected: yes.
Comment: Not observed at significant frequency in large population cohorts (gnomAD); In silico analysis supports that this missense variant does not alter protein structure/function; Has not been previously published as pathogenic or benign to our knowledge

NM_000552.5(VWF):c.6533C>T (p.Ala2178Val)

Gene: VWF (von Willebrand factor; minus strand). Cytogenetic location: 12p13.31.
Variant type: single nucleotide variant.
Coding change: c.6533C>T on transcript NM_000552.5 (MANE Select); coding-DNA position 6533, C replaced by T.
Protein change: p.Ala2178Val; replaces alanine 2178 with valine.
Molecular consequence: missense variant.
Genome position (GRCh38, 1-based): chr12:5,993,927, G>A on the plus strand (C>T on the coding strand, the complement: VWF is on the minus strand). VCF-style: chr12-5993927-G-A. GRCh37 (hg19) VCF-style: chr12-6103093-G-A.
Other names: short protein forms A2178V.
Identifiers: ClinVar variation 1710580 (VCV001710580.2), dbSNP rs2497453759, ClinGen allele CA383490866.